The following is an entry in ClinVar:

NM_001384140.1(PCDH15):c.1590+1G>A

Gene: PCDH15 (protocadherin related 15; minus strand). Cytogenetic location: 10q21.1.
Variant type: single nucleotide variant.
Coding change: c.1590+1G>A on transcript NM_001384140.1 (MANE Select); the canonical splice donor site of the intron after coding-DNA position 1590, G replaced by A.
Molecular consequence: splice donor variant.
Genome position (GRCh38, 1-based): chr10:54,183,443, C>T on the plus strand (G>A on the coding strand, the complement: PCDH15 is on the minus strand). VCF-style: chr10-54183443-C-T. GRCh37 (hg19) VCF-style: chr10-55943203-C-T.
Other names: c.1590+1G>A (NM_001354420.2, NM_001354429.2, NM_001142772.2 and 6 more transcripts); c.1605+1G>A (NM_001142771.2, NM_001142763.2); c.1611+1G>A (NM_001354411.2); c.1626+1G>A (NM_001142769.3); c.1524+1G>A (NM_001354404.2, NM_001142773.2, NM_001142768.2); c.1479+1G>A (NM_001142767.2).
Identifiers: ClinVar variation 1493850 (VCV001493850.6), dbSNP rs2133799697, ClinGen allele CA376514415.

ClinVar aggregate classification (germline): Likely pathogenic (1 of 4 stars; one submission).

Submission:

Labcorp Genetics (formerly Invitae), Labcorp
Classification: Likely pathogenic. Last evaluated: 2022-11-29. Review status: criteria provided, single submitter. Criteria: Invitae Variant Classification Sherloc (09022015). Collection method: clinical testing. Allele origin: germline.
Comment: ClinVar contains an entry for this variant (Variation ID: 1493850). Algorithms developed to predict the effect of sequence changes on RNA splicing suggest that this variant may disrupt the consensus splice site. In summary, the currently available evidence indicates that the variant is pathogenic, but additional data are needed to prove that conclusively. Therefore, this variant has been classified as Likely Pathogenic. This sequence change affects a donor splice site in intron 13 of the PCDH15 gene. It is expected to disrupt RNA splicing. Variants that disrupt the donor or acceptor splice site typically lead to a loss of protein function (PMID: 16199547), and loss-of-function variants in PCDH15 are known to be pathogenic (PMID: 11398101, 11487575, 14570705). This variant is not present in population databases (gnomAD no frequency). This variant has not been reported in the literature in individuals affected with PCDH15-related conditions.

Literature cited by the submitters: PubMed 16199547; PubMed 11398101; PubMed 11487575; PubMed 14570705.